The following is an entry in ClinVar:

ClinVar aggregate classification (germline): Uncertain significance (1 of 4 stars; one submission).

Submission:

Labcorp Genetics (formerly Invitae), Labcorp
Classification: Uncertain significance. Last evaluated: 2025-06-02. Review status: criteria provided, single submitter. Criteria: Invitae Variant Classification Sherloc (09022015). Collection method: clinical testing. Allele origin: germline.
Comment: This sequence change replaces serine, which is neutral and polar, with tyrosine, which is neutral and polar, at codon 11 of the ATP2B2 protein (p.Ser11Tyr). This variant is not present in population databases (gnomAD no frequency). This variant has not been reported in the literature in individuals affected with ATP2B2-related conditions. ClinVar contains an entry for this variant (Variation ID: 2086922). Invitae Evidence Modeling of protein sequence and biophysical properties (such as structural, functional, and spatial information, amino acid conservation, physicochemical variation, residue mobility, and thermodynamic stability) indicates that this missense variant is not expected to disrupt ATP2B2 protein function with a negative predictive value of 95%. In summary, the available evidence is currently insufficient to determine the role of this variant in disease. Therefore, it has been classified as a Variant of Uncertain Significance.

NM_001001331.4(ATP2B2):c.32C>A (p.Ser11Tyr)

Gene: ATP2B2 (ATPase plasma membrane Ca2+ transporting 2; minus strand). Cytogenetic location: 3p25.3.
Variant type: single nucleotide variant.
Coding change: c.32C>A on transcript NM_001001331.4 (MANE Select); coding-DNA position 32, C replaced by A.
Protein change: p.Ser11Tyr; replaces serine 11 with tyrosine.
Molecular consequence: missense variant.
Genome position (GRCh38, 1-based): chr3:10,449,512, G>T on the plus strand (C>A on the coding strand, the complement: ATP2B2 is on the minus strand). VCF-style: chr3-10449512-G-T. GRCh37 (hg19) VCF-style: chr3-10491196-G-T.
Other names: c.32C>A, p.Ser11Tyr (NM_001330611.3, NM_001353564.1, NM_001363862.1 and 1 more transcripts); short protein forms S11Y.
Identifiers: ClinVar variation 2086922 (VCV002086922.4), dbSNP rs2471026650, ClinGen allele CA351782971.
Genomic context (GRCh38, chr3:10,449,512, plus strand): 5'-AGCTCCTCCATTGTGCACCCGAACTCGCCCCCATGGCTCGACTCATTTCTTTGGTTTTTG[G>T]AGTAAAAGTCGCTGTTGGTCATGTCACCCATGTTTGCTGCGGTCCTTGCTCGGGCTGGGC-3'
Protein context (NP_001001331.1, residues 1-21): MGDMTNSDFY[Ser11Tyr]KNQRNESSHG